The following is an entry in ClinVar:

ClinVar aggregate classification (germline): Uncertain significance (1 of 4 stars; one submission).

Submission:

Greenwood Genetic Center Diagnostic Laboratories, Greenwood Genetic Center
Classification: Uncertain significance. Last evaluated: 2023-06-06. Review status: criteria provided, single submitter. Criteria: ACMG Guidelines, 2015. Collection method: clinical testing. Allele origin: germline. Affected: yes.
Comment: Gene of Uncertain Significance

NM_020180.4(CELF4):c.796C>T (p.Gln266Ter)

Gene: CELF4 (CUGBP Elav-like family member 4; minus strand). Cytogenetic location: 18q12.2.
Variant type: single nucleotide variant.
Coding change: c.796C>T on transcript NM_020180.4 (MANE Select); coding-DNA position 796, C replaced by T.
Protein change: p.Gln266Ter; replaces glutamine 266 with a stop codon.
Molecular consequence: nonsense. On other transcripts: non-coding transcript variant (11).
Genome position (GRCh38, 1-based): chr18:37,274,316, G>A on the plus strand (C>T on the coding strand, the complement: CELF4 is on the minus strand). VCF-style: chr18-37274316-G-A. GRCh37 (hg19) VCF-style: chr18-34854279-G-A.
Other names: c.796C>T, p.Gln266Ter (NM_001025087.2, NM_001353708.2, NM_001353723.2 and 11 more transcripts); c.793C>T, p.Gln265Ter (NM_001025088.2, NM_001330603.2, NM_001353696.2 and 12 more transcripts); c.766C>T, p.Gln256Ter (NM_001025089.2, NM_001353699.2, NM_001353700.2 and 12 more transcripts); c.763C>T, p.Gln255Ter (NM_001353695.2, NM_001353697.2, NM_001353705.2 and 16 more transcripts); c.424C>T, p.Gln142Ter (NM_001353756.2, NM_001353761.2); c.397C>T, p.Gln133Ter (NM_001353757.2, NM_001353760.2); c.394C>T, p.Gln132Ter (NM_001353758.2, NM_001353759.2); short protein forms Q132*, Q133*, Q142*, Q255*, Q256*, Q265*, Q266*.
Identifiers: ClinVar variation 2572258 (VCV002572258.1), dbSNP rs2518144616, ClinGen allele CA402230116.
Genomic context (GRCh38, chr18:37,274,316, plus strand): 5'-GAGGCTCCCAGGGGAGTGAGCTTGAGAACCGCTGCCCGTGCGCGCTGCCACTTACTGCCT[G>A]AGCGTAGGCGCCGTAGGCCCCGAAAGGGATGGCCATGGGGTTGAACATGCCCATCTGGCC-3'